The following is an entry in ClinVar:

ClinVar aggregate classification (germline): Uncertain significance (1 of 4 stars; one submission).

Conditions:
Autosomal dominant childhood-onset proximal spinal muscular atrophy with contractures (SMALED2A). Also called: Spinal muscular atrophy, lower extremity-predominant, 2A, autosomal dominant; SPINAL MUSCULAR ATROPHY, LOWER EXTREMITY-PREDOMINANT, 2A, CHILDHOOD ONSET, AUTOSOMAL DOMINANT. Identifiers: Orphanet 363447, Orphanet 363454, MedGen C4747715, MONDO:0014121, OMIM 615290.

Allele frequency attached by ClinVar (database versions not stated): gnomAD exomes below 0.00001 and 0.00002.
gnomAD v4.1: 22 of 1,586,590 alleles (0.0014%); highest among the groups gnomAD compares: Non-Finnish European, 0.0018%; no homozygotes.

Submission:

Labcorp Genetics (formerly Invitae), Labcorp
Classification: Uncertain significance for Autosomal dominant childhood-onset proximal spinal muscular atrophy with contractures. Last evaluated: 2025-09-30. Review status: criteria provided, single submitter. Criteria: Invitae Variant Classification Sherloc (09022015). Collection method: clinical testing. Allele origin: germline.
Comment: This sequence change replaces leucine, which is neutral and non-polar, with arginine, which is basic and polar, at codon 13 of the BICD2 protein (p.Leu13Arg). This variant is present in population databases (no rsID available, gnomAD 0.001%). This variant has not been reported in the literature in individuals affected with BICD2-related conditions. ClinVar contains an entry for this variant (Variation ID: 474277). Invitae Evidence Modeling of protein sequence and biophysical properties (such as structural, functional, and spatial information, amino acid conservation, physicochemical variation, residue mobility, and thermodynamic stability) indicates that this missense variant is not expected to disrupt BICD2 protein function with a negative predictive value of 95%. In summary, the available evidence is currently insufficient to determine the role of this variant in disease. Therefore, it has been classified as a Variant of Uncertain Significance.

NM_001003800.2(BICD2):c.38T>G (p.Leu13Arg)

Gene: BICD2 (BICD cargo adaptor 2; minus strand). Cytogenetic location: 9q22.31.
Variant type: single nucleotide variant.
Coding change: c.38T>G on transcript NM_001003800.2 (MANE Select); coding-DNA position 38, T replaced by G.
Protein change: p.Leu13Arg; replaces leucine 13 with arginine.
Molecular consequence: missense variant.
Genome position (GRCh38, 1-based): chr9:92,764,707, A>C on the plus strand (T>G on the coding strand, the complement: BICD2 is on the minus strand). VCF-style: chr9-92764707-A-C. GRCh37 (hg19) VCF-style: chr9-95526989-A-C.
Other names: c.38T>G, p.Leu13Arg (NM_015250.4); short protein forms L13R.
Identifiers: ClinVar variation 474277 (VCV000474277.7), dbSNP rs1340902320, ClinGen allele CA374033216.